The following is an entry in ClinVar:

ClinVar aggregate classification (germline): Uncertain significance (1 of 4 stars; one submission).

Allele frequency attached by ClinVar (database versions not stated): gnomAD exomes below 0.00001; ExAC 0.00001; gnomAD 0.00001; TOPMed 0.00001.

Submission:

GeneDx
Classification: Uncertain significance. Last evaluated: 2023-12-08. Review status: criteria provided, single submitter. Criteria: GeneDx Variant Classification Process June 2021. Collection method: clinical testing. Allele origin: germline. Affected: yes.
Comment: In silico analysis supports that this variant does not alter splicing; Has not been previously published as pathogenic or benign to our knowledge

NM_007118.4(TRIO):c.4058+4A>G

Gene: TRIO (trio Rho guanine nucleotide exchange factor; plus strand). Cytogenetic location: 5p15.2.
Variant type: single nucleotide variant.
Coding change: c.4058+4A>G on transcript NM_007118.4 (MANE Select); 4 bases into the intron after coding-DNA position 4058, A replaced by G.
Molecular consequence: intron variant.
Genome position (GRCh38, 1-based): chr5:14,389,402, A>G. VCF-style: chr5-14389402-A-G. GRCh37 (hg19) VCF-style: chr5-14389511-A-G.
Identifiers: ClinVar variation 1202315 (VCV001202315.4), dbSNP rs776466066, ClinGen allele CA3206362.